The following is an entry in ClinVar:

ClinVar aggregate classification (germline): Conflicting classifications of pathogenicity. Review status: criteria provided, conflicting classifications (1 of 4 stars). 3 submissions from 3 submitters: Likely pathogenic (2); Uncertain significance (1). Last evaluated 2023-06-16.

Conditions:
Charcot-Marie-Tooth disease type 2. Also called: Charcot-Marie-Tooth type 2. Identifiers: Orphanet 64746, MedGen C0270914, MONDO:0018993.
Cardiovascular phenotype. Identifiers: MedGen CN230736.

Submissions (3):

Labcorp Genetics (formerly Invitae), Labcorp
Classification: Uncertain significance for Charcot-Marie-Tooth disease type 2. Last evaluated: 2023-06-16. Review status: criteria provided, single submitter. Criteria: Invitae Variant Classification Sherloc (09022015). Collection method: clinical testing. Allele origin: germline.
Comment: In summary, the available evidence is currently insufficient to determine the role of this variant in disease. Therefore, it has been classified as a Variant of Uncertain Significance. This variant disrupts the p.Arg335 amino acid residue in LMNA. Other variant(s) that disrupt this residue have been determined to be pathogenic (PMID: 22224630, 24503780, 27532257, 27723096). This suggests that this residue is clinically significant, and that variants that disrupt this residue are likely to be disease-causing. An algorithm developed to predict the effect of missense changes on protein structure and function (PolyPhen-2) suggests that this variant is likely to be disruptive. ClinVar contains an entry for this variant (Variation ID: 451712). This variant has not been reported in the literature in individuals affected with LMNA-related conditions. Information on the frequency of this variant in the gnomAD database is not available, as this variant may be reported differently in the database. This sequence change replaces arginine, which is basic and polar, with proline, which is neutral and non-polar, at codon 335 of the LMNA protein (p.Arg335Pro).

Ambry Genetics
Classification: Likely pathogenic for Cardiovascular phenotype. Last evaluated: 2021-10-05. Review status: criteria provided, single submitter. Criteria: Ambry Variant Classification Scheme 2023. Collection method: clinical testing. Allele origin: germline.
Comment: The c.1004_1005delGGinsCC variant (also known as p.R335P), located in coding exon 6 of the LMNA gene, results from an in-frame deletion of GG and insertion of CC at nucleotide positions 1004 to 1005. This results in the substitution of the arginine residue for a proline residue at codon 335, an amino acid with dissimilar properties. A different variant affecting this codon (c.1003C>T, p.R335W) has been reported in association with dilated cardiomyopathy and other laminopathy phenotypes (Lakdawala NK et al. J. Card. Fail., 2012 Apr;18:296-303; Zaragoza MV et al. Clin Genet, 2017 03;91:499-500; Lambert JC et al. Joint Bone Spine, 2019 07;86:525-527). Based on internal structural analysis, the c.1004_1005delGGinsCC variant is anticipated to result in a significant decrease in structural stability (Strelkov SV et al. J. Mol. Biol. 2004 Oct;343(4):1067-80). This variant is considered to be rare based on population cohorts in the Genome Aggregation Database (gnomAD). This amino acid position is highly conserved in available vertebrate species. In addition, the in silico prediction for this alteration is inconclusive (Choi Y et al. PLoS ONE. 2012; 7(10):e46688). Based on the majority of available evidence to date, this variant is likely to be pathogenic.

GeneDx
Classification: Likely pathogenic. Last evaluated: 2018-03-30. Review status: criteria provided, single submitter. Criteria: GeneDx Variant Classification (06012015). Collection method: clinical testing. Allele origin: germline. Affected: yes.
Comment: The c.1004_1005delGGinsCC variant in the LMNA gene has not been reported previously as a pathogenic variant, nor as a benign variant, to our knowledge. The c.1004_1005delGGinsCC variant causes an in-frame substitution of Arginine 335 for a Proline, denoted p.Arg335Pro. The c.1004_1005delGGinsCC variant is not observed in large population cohorts (Lek et al., 2016; 1000 Genomes Consortium et al., 2015; Exome Variant Server). This variant is a non-conservative amino acid substitution, which is likely to impact secondary protein structure as these residues differ in polarity, charge, size and/or other properties. This substitution occurs at a position that is conserved across species. In silico analysis is inconsistent in its predictions as to whether or not the variant is damaging to the protein structure/function. Missense variants in the same and nearby residues (R331P, R331Q, S334N, R335W, R335Q, R336Q) have been reported in the Human Gene Mutation Database in association with LMNA-related disorders (Stenson et al., 2014), supporting the functional importance of this region of the protein. We interpret c.1004_1005delGGinsCC as a likely pathogenic variant.

Literature cited by the submitters: PubMed 22224630 (cited by Labcorp Genetics (formerly Invitae), Labcorp); PubMed 24503780 (cited by Labcorp Genetics (formerly Invitae), Labcorp); PubMed 27532257 (cited by Labcorp Genetics (formerly Invitae), Labcorp); PubMed 27723096 (cited by Labcorp Genetics (formerly Invitae), Labcorp).

NM_170707.4(LMNA):c.1004_1005inv (p.Arg335Pro)

Gene: LMNA (lamin A/C; plus strand). Cytogenetic location: 1q22.
Variant type: Inversion.
Coding change: c.1004_1005inv on transcript NM_170707.4 (MANE Select).
Protein change: p.Arg335Pro; replaces arginine 335 with proline.
Molecular consequence: missense variant.
Genome position: GRCh38 VCF-style: chr1-156135968-GG-CC. GRCh37 (hg19) VCF-style: chr1-156105759-GG-CC.
Other names: c.668_669inv, p.Arg223Pro (NM_001257374.3); c.761_762inv, p.Arg254Pro (NM_001282624.2); c.1004_1005inv, p.Arg335Pro (NM_001282625.2, NM_001282626.2, NM_005572.4 and 1 more transcripts); short protein forms R254P, R335P, R223P.
Identifiers: ClinVar variation 451712 (VCV000451712.9), ClinGen allele CA658656965.
Genomic context (GRCh38, chr1:156,135,968, plus strand): 5'-CCAAGGAGGCGAAGCTTCGAGACCTGGAGGACTCACTGGCCCGTGAGCGGGACACCAGCC[GG>CC]CGGCTGCTGGCGGAAAAGGAGCGGGAGATGGCCGAGATGCGGGCAAGGATGCAGCAGCAG-3'
Protein context (NP_733821.1, residues 325-345): DSLARERDTS[Arg335Pro]RLLAEKEREM